The following is an entry in ClinVar:

ClinVar aggregate classification (germline): Pathogenic (1 of 4 stars; one submission).

Conditions:
Isolated microphthalmia 5. Also called: Posterior Microphthalmia with Retinitis Pigmentosa, Foveoschisis, and Optic Disc Drusen. Identifiers: Orphanet 251279, MedGen C1970236, MONDO:0012605, OMIM 611040.

Submission:

Labcorp Genetics (formerly Invitae), Labcorp
Classification: Pathogenic for Isolated microphthalmia 5. Last evaluated: 2021-01-23. Review status: criteria provided, single submitter. Criteria: Invitae Variant Classification Sherloc (09022015). Collection method: clinical testing. Allele origin: germline.
Comment: This variant is not present in population databases (ExAC no frequency). For these reasons, this variant has been classified as Pathogenic. Loss-of-function variants in MFRP are known to be pathogenic (PMID: 12140190, 15976030, 20361016). This variant has not been reported in the literature in individuals with MFRP-related conditions. This sequence change creates a premature translational stop signal (p.Thr364Glnfs*26) in the MFRP gene. It is expected to result in an absent or disrupted protein product.

Literature cited by the submitters: PubMed 12140190; PubMed 15976030; PubMed 20361016.

NM_031433.4(MFRP):c.1090_1094del (p.Thr364fs)

Genes: C1QTNF5 (C1q and TNF related 5; minus strand), MFRP (membrane frizzled-related protein; minus strand). Cytogenetic location: 11q23.3.
Variant type: Deletion.
Coding change: c.1090_1094del on transcript NM_031433.4 (MANE Select); coding-DNA positions 1090 to 1094, 5 bases deleted (ACCAG; older notation c.1090_1094delACCAG).
Protein change: p.Thr364fs; shifts the reading frame from threonine 364.
Molecular consequence: frameshift variant. On other transcripts: 5 prime UTR variant (1).
Genome position (GRCh38, 1-based): chr11:119,343,846-119,343,850, CTGGT deleted on the plus strand (ACCAG on the coding strand, the reverse complement: MFRP is on the minus strand); deleting any 5 consecutive bases within chr11:119,343,846-119,343,852 gives the same sequence; the c. name uses the placement nearest the transcript's 3' end. VCF-style (leftmost placement, unchanged base first): chr11-119343845-GCTGGT-G. GRCh37 (hg19) VCF-style: chr11-119214555-GCTGGT-G.
Other names: c.-1547_-1543del (NM_015645.5); short protein forms T364fs.
Identifiers: ClinVar variation 1074166 (VCV001074166.46), dbSNP rs1342453275, ClinGen allele CA602181722.